The following is an entry in ClinVar:

ClinVar aggregate classification (germline): Pathogenic. Review status: criteria provided, multiple submitters, no conflicts (2 of 4 stars). 3 submissions from 3 submitters: Pathogenic (2). 1 of the submissions does not count toward it. Last evaluated 2023-11-09.

Conditions:
SYN1-related disorder. Also called: SYN1-related condition; SYN1-Related Disorders.
Epilepsy, X-linked 1, with variable learning disabilities and behavior disorders. Also called: X-linked epilepsy-learning disabilities-behavior disorders syndrome. Identifiers: Orphanet 85294, MedGen C5774177, MONDO:0010339, OMIM 300491.

Submissions (3):

Blueprint Genetics
Classification: Pathogenic for SYN1-related disorders. Last evaluated: 2023-11-09. Review status: criteria provided, single submitter. Criteria: ACMG Guidelines, 2015. Collection method: clinical testing. Allele origin: germline. Affected: yes. Observed: 3 variant alleles.

PreventionGenetics, part of Exact Sciences
Classification: Pathogenic for SYN1-related condition. Last evaluated: 2022-10-19. Review status: criteria provided, single submitter. Criteria: ACMG Guidelines, 2015. Collection method: clinical testing. Allele origin: germline.
Comment: The SYN1 c.1663C>T variant is predicted to result in premature protein termination (p.Gln555*). This variant was reported in an individual with epilepsy (Fassio et al 2011. PubMed ID: 21441247; Lignani G et al 2013. PubMed ID: 23406870; Nguyen DK et al 2015. PubMed ID: 26096837; Cabana JF et al 2018. PubMed ID: 29671924). This variant has not been reported in a large population database, indicating this variant is rare. Nonsense variants in SYN1 are expected to be pathogenic. This variant is interpreted as pathogenic.

OMIM
Classification: Pathogenic for EPILEPSY, X-LINKED 1, WITH VARIABLE LEARNING DISABILITIES AND BEHAVIOR DISORDERS. Last evaluated: 2013-06-01. Review status: no assertion criteria provided. Collection method: literature only. Allele origin: germline. Not counted in ClinVar's aggregate classification.

Literature cited by the submitters: PubMed 21441247 (cited by OMIM); PubMed 23406870 (cited by OMIM).

NM_006950.3(SYN1):c.1663C>T (p.Gln555Ter)

Gene: SYN1 (synapsin I; minus strand). Cytogenetic location: Xp11.3.
Variant type: single nucleotide variant.
Coding change: c.1663C>T on transcript NM_006950.3 (MANE Select); coding-DNA position 1663, C replaced by T.
Protein change: p.Gln555Ter; replaces glutamine 555 with a stop codon.
Molecular consequence: nonsense.
Genome position (GRCh38, 1-based): chrX:47,574,321, G>A on the plus strand (C>T on the coding strand, the complement: SYN1 is on the minus strand). VCF-style: chrX-47574321-G-A. GRCh37 (hg19) VCF-style: chrX-47433720-G-A.
Other names: c.1663C>T, p.Gln555Ter (NM_133499.2); short protein forms Q555*.
Identifiers: ClinVar variation 41888 (VCV000041888.6), dbSNP rs397514679, ClinGen allele CA130885.